The following is an entry in ClinVar:

ClinVar aggregate classification (germline): Uncertain significance. Review status: criteria provided, multiple submitters, no conflicts (2 of 4 stars). 3 submissions from 3 submitters: Uncertain significance (3). Last evaluated 2025-09-20.

Conditions:
Hereditary cancer-predisposing syndrome. Also called: Tumor predisposition; Hereditary neoplastic syndrome; Neoplastic Syndromes, Hereditary; Hereditary Cancer Syndrome. Identifiers: Orphanet 140162, MedGen C0027672, MeSH D009386, MONDO:0015356.

Allele frequency attached by ClinVar (database versions not stated): ExAC 0.00001; gnomAD exomes 0.00001.
gnomAD v4.1: 3 of 1,612,358 alleles (0.00019%); highest among the groups gnomAD compares: Non-Finnish European, 0.00025%; no homozygotes.

Submissions (3):

Labcorp Genetics (formerly Invitae), Labcorp
Classification: Uncertain significance. Last evaluated: 2025-09-20. Review status: criteria provided, single submitter. Criteria: Invitae Variant Classification Sherloc (09022015). Collection method: clinical testing. Allele origin: germline.
Comment: This sequence change replaces arginine, which is basic and polar, with glycine, which is neutral and non-polar, at codon 98 of the CTNNA1 protein (p.Arg98Gly). This variant is present in population databases (rs773235871, gnomAD 0.002%). This variant has not been reported in the literature in individuals affected with CTNNA1-related conditions. ClinVar contains an entry for this variant (Variation ID: 856877). Invitae Evidence Modeling of protein sequence and biophysical properties (such as structural, functional, and spatial information, amino acid conservation, physicochemical variation, residue mobility, and thermodynamic stability) indicates that this missense variant is not expected to disrupt CTNNA1 protein function with a negative predictive value of 80%. In summary, the available evidence is currently insufficient to determine the role of this variant in disease. Therefore, it has been classified as a Variant of Uncertain Significance.

GeneDx
Classification: Uncertain significance. Last evaluated: 2025-06-11. Review status: criteria provided, single submitter. Criteria: GeneDx Variant Classification Process June 2021. Collection method: clinical testing. Allele origin: germline. Affected: yes.
Comment: Not observed at significant frequency in large population cohorts (gnomAD); In silico analysis supports that this missense variant has a deleterious effect on protein structure/function; Has not been previously published as pathogenic or benign to our knowledge

Ambry Genetics
Classification: Uncertain significance for Hereditary cancer-predisposing syndrome. Last evaluated: 2024-02-02. Review status: criteria provided, single submitter. Criteria: Ambry Variant Classification Scheme 2023. Collection method: clinical testing. Allele origin: germline.
Comment: The p.R98G variant (also known as c.292C>G), located in coding exon 2 of the CTNNA1 gene, results from a C to G substitution at nucleotide position 292. The arginine at codon 98 is replaced by glycine, an amino acid with dissimilar properties. This amino acid position is conserved. In addition, this alteration is predicted to be deleterious by in silico analysis. Since supporting evidence is limited at this time, the clinical significance of this alteration remains unclear.

NM_001903.5(CTNNA1):c.292C>G (p.Arg98Gly)

Gene: CTNNA1 (catenin alpha 1; plus strand). Cytogenetic location: 5q31.2.
Variant type: single nucleotide variant.
Coding change: c.292C>G on transcript NM_001903.5 (MANE Select); coding-DNA position 292, C replaced by G.
Protein change: p.Arg98Gly; replaces arginine 98 with glycine.
Molecular consequence: missense variant. On other transcripts: intron variant (2).
Genome position (GRCh38, 1-based): chr5:138,783,363, C>G. VCF-style: chr5-138783363-C-G. GRCh37 (hg19) VCF-style: chr5-138119052-C-G.
Other names: c.292C>G, p.Arg98Gly (NM_001290307.3, NM_001323982.2, NM_001323983.1 and 3 more transcripts); c.-6+91C>G (NM_001290310.3); c.-9+1334C>G (NM_001290309.3); short protein forms R98G.
Identifiers: ClinVar variation 856877 (VCV000856877.13), dbSNP rs773235871, ClinGen allele CA3431395.